The following is an entry in ClinVar:

NM_020184.4(CNNM4):c.1851+8C>T

Gene: CNNM4 (cyclin and CBS domain divalent metal cation transport mediator 4; plus strand). Cytogenetic location: 2q11.2.
Variant type: single nucleotide variant.
Coding change: c.1851+8C>T on transcript NM_020184.4 (MANE Select); 8 bases into the intron after coding-DNA position 1851, C replaced by T.
Molecular consequence: intron variant.
Genome position (GRCh38, 1-based): chr2:96,799,234, C>T. VCF-style: chr2-96799234-C-T. GRCh37 (hg19) VCF-style: chr2-97464971-C-T.
Other names: c.1851+8C>T (NM_020184.3).
Identifiers: ClinVar variation 1135686 (VCV001135686.11), dbSNP rs372771561, ClinGen allele CA1783487.

ClinVar aggregate classification (germline): Likely benign. Review status: criteria provided, multiple submitters, no conflicts (2 of 4 stars). 3 submissions from 3 submitters: Likely benign (3). Last evaluated 2025-09-02.

Conditions:
CNNM4-related disorder. Also called: CNNM4-related condition.

Allele frequency attached by ClinVar (database versions not stated): gnomAD exomes 0.00001; ExAC 0.00002; TOPMed 0.00003; gnomAD 0.00004; ESP Exome Variant Server 0.00008.
gnomAD v4.1: 102 of 1,614,034 alleles (0.0063%); highest among the groups gnomAD compares: Non-Finnish European, 0.0075%; no homozygotes.

Submissions (3):

Labcorp Genetics (formerly Invitae), Labcorp
Classification: Likely benign. Last evaluated: 2025-09-02. Review status: criteria provided, single submitter. Criteria: Invitae Variant Classification Sherloc (09022015). Collection method: clinical testing. Allele origin: germline.

PreventionGenetics, part of Exact Sciences
Classification: Likely benign for CNNM4-related condition. Last evaluated: 2024-12-13. Review status: criteria provided, single submitter. Criteria: ACMG Guidelines, 2015. Collection method: clinical testing. Allele origin: germline.
Comment: This variant is classified as likely benign based on ACMG/AMP sequence variant interpretation guidelines (Richards et al. 2015 PMID: 25741868, with internal and published modifications).

Blueprint Genetics
Classification: Likely benign. Last evaluated: 2024-06-20. Review status: criteria provided, single submitter. Criteria: ACMG Guidelines, 2015. Collection method: clinical testing. Allele origin: germline.